The following is an entry in ClinVar:

ClinVar aggregate classification (germline): Conflicting classifications of pathogenicity. Review status: criteria provided, conflicting classifications (1 of 4 stars). 2 submissions from 2 submitters: Uncertain significance (1); Likely benign (1). Last evaluated 2022-04-25.

Conditions:
Inborn genetic diseases. Identifiers: MedGen C0950123, MeSH D030342.

gnomAD v4.1: 10 of 1,614,026 alleles (0.00062%); highest among the groups gnomAD compares: Admixed American, 0.005%; no homozygotes.

Submissions (2):

Ambry Genetics
Classification: Likely benign for Inborn genetic diseases. Last evaluated: 2022-04-25. Review status: criteria provided, single submitter. Criteria: Ambry Variant Classification Scheme 2023. Collection method: clinical testing. Allele origin: germline.

Labcorp Genetics (formerly Invitae), Labcorp
Classification: Uncertain significance. Last evaluated: 2022-04-23. Review status: criteria provided, single submitter. Criteria: Invitae Variant Classification Sherloc (09022015). Collection method: clinical testing. Allele origin: germline.
Comment: This sequence change replaces histidine, which is basic and polar, with glutamine, which is neutral and polar, at codon 284 of the GNPTG protein (p.His284Gln). This variant is present in population databases (rs374511482, gnomAD 0.009%). This variant has not been reported in the literature in individuals affected with GNPTG-related conditions. Algorithms developed to predict the effect of missense changes on protein structure and function output the following: SIFT: "Tolerated"; PolyPhen-2: "Benign"; Align-GVGD: "Class C0". The glutamine amino acid residue is found in multiple mammalian species, which suggests that this missense change does not adversely affect protein function. In summary, the available evidence is currently insufficient to determine the role of this variant in disease. Therefore, it has been classified as a Variant of Uncertain Significance.

NM_032520.5(GNPTG):c.852C>G (p.His284Gln)

Gene: GNPTG (N-acetylglucosamine-1-phosphate transferase subunit gamma; plus strand). Cytogenetic location: 16p13.3.
Variant type: single nucleotide variant.
Coding change: c.852C>G on transcript NM_032520.5 (MANE Select); coding-DNA position 852, C replaced by G.
Protein change: p.His284Gln; replaces histidine 284 with glutamine.
Molecular consequence: missense variant.
Genome position (GRCh38, 1-based): chr16:1,363,025, C>G. VCF-style: chr16-1363025-C-G. GRCh37 (hg19) VCF-style: chr16-1413026-C-G.
Other names: short protein forms H284Q.
Identifiers: ClinVar variation 2083425 (VCV002083425.2), dbSNP rs374511482, ClinGen allele CA7808003.
Genomic context (GRCh38, chr16:1,363,025, plus strand): 5'-AGGTGAGGACTGGCCACCTGGTGTTTTGGCAGAAACTTCCAACTTGGAGCACTTGGGCCA[C>G]GAGACGCCCAGAGCCAAGTCTCCAGAGCAGCTGCGGGGTGACCCAGGACTGCGTGGGAGT-3'
Protein context (NP_115909.1, residues 274-294): TETSNLEHLG[His284Gln]ETPRAKSPEQ